The following is an entry in ClinVar:

NM_138713.4(NFAT5):c.4295C>T (p.Ser1432Leu)

Gene: NFAT5 (nuclear factor of activated T cells 5; plus strand). Cytogenetic location: 16q22.1.
Variant type: single nucleotide variant.
Coding change: c.4295C>T on transcript NM_138713.4 (MANE Select); coding-DNA position 4295, C replaced by T.
Protein change: p.Ser1432Leu; replaces serine 1432 with leucine.
Molecular consequence: missense variant.
Genome position (GRCh38, 1-based): chr16:69,694,120, C>T. VCF-style: chr16-69694120-C-T. GRCh37 (hg19) VCF-style: chr16-69728023-C-T.
Other names: c.4295C>T, p.Ser1432Leu (LRG_1332t1); c.4292C>T, p.Ser1431Leu (NM_001113178.3); c.3620C>T, p.Ser1207Leu (NM_001367709.1); c.4241C>T, p.Ser1414Leu (NM_006599.4); c.4013C>T, p.Ser1338Leu (NM_138714.4, NM_173214.3, NM_173215.3); short protein forms S1431L, S1432L, S1207L, S1338L, S1414L.
Identifiers: ClinVar variation 656586 (VCV000656586.9), dbSNP rs201563281, ClinGen allele CA8136030.
Genomic context (GRCh38, chr16:69,694,120, plus strand): 5'-AACAGTCTCCTCTTTATTCCCCTCAGAACAACATGCCTGGAATTCAAGGAGCCACATCTT[C>T]GCCTCAACCACAGGCTACTTTATTTCACAACACAGCAGGAGGCACAATGAACCAACTGCA-3'
Protein context (NP_619727.2, residues 1422-1442): NMPGIQGATS[Ser1432Leu]PQPQATLFHN

ClinVar aggregate classification (germline): Uncertain significance (1 of 4 stars; one submission).

Conditions:
Immunodeficiency. Identifiers: MedGen C0021051, MONDO:0021094, HP:0002721.

Allele frequency attached by ClinVar (database versions not stated): gnomAD exomes 0.00001 and 0.00002; ExAC 0.00002; gnomAD 0.00003 and 0.00005; TOPMed 0.00005; ESP Exome Variant Server 0.00008; 1000 Genomes Project 30x 0.00016; 1000 Genomes Project 0.00020.
gnomAD v4.1: 26 of 1,614,228 alleles (0.0016%); highest among the groups gnomAD compares: Admixed American, 0.0067%; no homozygotes.

Submission:

Labcorp Genetics (formerly Invitae), Labcorp
Classification: Uncertain significance for Immunodeficiency. Last evaluated: 2025-10-27. Review status: criteria provided, single submitter. Criteria: Invitae Variant Classification Sherloc (09022015). Collection method: clinical testing. Allele origin: germline.
Comment: This sequence change replaces serine, which is neutral and polar, with leucine, which is neutral and non-polar, at codon 1338 of the NFAT5 protein (p.Ser1338Leu). This variant is present in population databases (rs201563281, gnomAD 0.007%). This variant has not been reported in the literature in individuals affected with NFAT5-related conditions. ClinVar contains an entry for this variant (Variation ID: 656586). An algorithm developed to predict the effect of missense changes on protein structure and function (PolyPhen-2) suggests that this variant is likely to be tolerated. In summary, the available evidence is currently insufficient to determine the role of this variant in disease. Therefore, it has been classified as a Variant of Uncertain Significance.